The following is an entry in ClinVar:

NM_016203.4(PRKAG2):c.1669A>C (p.Thr557Pro)

Gene: PRKAG2 (protein kinase AMP-activated non-catalytic subunit gamma 2; minus strand). Cytogenetic location: 7q36.1.
Variant type: single nucleotide variant.
Coding change: c.1669A>C on transcript NM_016203.4 (MANE Select); coding-DNA position 1669, A replaced by C.
Protein change: p.Thr557Pro; replaces threonine 557 with proline.
Molecular consequence: missense variant.
Genome position (GRCh38, 1-based): chr7:151,560,533, T>G on the plus strand (A>C on the coding strand, the complement: PRKAG2 is on the minus strand). VCF-style: chr7-151560533-T-G. GRCh37 (hg19) VCF-style: chr7-151257619-T-G.
Other names: c.1537A>C, p.Thr513Pro (NM_001040633.2); c.1294A>C, p.Thr432Pro (NM_001304527.2); c.946A>C, p.Thr316Pro (NM_001304531.2, NM_024429.2); c.1297A>C, p.Thr433Pro (NM_001363698.2); short protein forms T316P, T432P, T433P, T513P, T557P.
Identifiers: ClinVar variation 1331799 (VCV001331799.3), dbSNP rs2150971355, ClinGen allele CA370070246.

ClinVar aggregate classification (germline): Uncertain significance (1 of 4 stars; one submission).

Conditions:
Cardiomyopathy (CMYO). Also called: Cardiomyopathies. Identifiers: Orphanet 167848, MedGen C0878544, MONDO:0004994, HP:0001638. Inheritance: Various modes of inheritance.

Submission:

Color Diagnostics, LLC DBA Color Health
Classification: Uncertain significance for Cardiomyopathy. Last evaluated: 2024-03-06. Review status: criteria provided, single submitter. Criteria: ACMG Guidelines, 2015. Collection method: clinical testing. Allele origin: germline.
Comment: This missense variant replaces threonine with proline at codon 557 of the PRKAG2 protein. Computational prediction is inconclusive regarding the impact of this variant on protein structure and function (internally defined REVEL score threshold 0.5 < inconclusive < 0.7, PMID: 27666373). To our knowledge, functional studies have not been reported for this variant. This variant has not been reported in individuals affected with cardiovascular disorders in the literature. This variant has not been identified in the general population by the Genome Aggregation Database (gnomAD). The available evidence is insufficient to determine the role of this variant in disease conclusively. Therefore, this variant is classified as a Variant of Uncertain Significance.